The following is an entry in ClinVar:

ClinVar aggregate classification (germline): Pathogenic (1 of 4 stars; one submission).

Conditions:
GM1 gangliosidosis. Identifiers: Orphanet 354, MedGen C0085131, MONDO:0018149.
Mucopolysaccharidosis, MPS-IV-B (MPS4B). Also called: MORQUIO SYNDROME B; Mucopolysaccharidosis type IV B; Mucopolysaccharidosis Type IVB; Mucopolysaccharidosis type 4B; Mucopolysaccharidosis type IVB (Morquio); MPS IVB. Identifiers: Orphanet 309310, Orphanet 582, MedGen C0086652, MONDO:0009660, OMIM 253010.

Submission:

Labcorp Genetics (formerly Invitae), Labcorp
Classification: Pathogenic for Mucopolysaccharidosis, MPS-IV-B; GM1 gangliosidosis. Last evaluated: 2021-12-15. Review status: criteria provided, single submitter. Criteria: Invitae Variant Classification Sherloc (09022015). Collection method: clinical testing. Allele origin: germline.
Comment: This variant has not been reported in the literature in individuals affected with GLB1-related conditions. For these reasons, this variant has been classified as Pathogenic. This variant is a gross deletion of the genomic region encompassing exon(s) 3-5 of the GLB1 gene. This deletion is out-of-frame, and is expected to create a premature termination codon and result in an absent or disrupted protein product. Loss-of-function variants in GLB1 are known to be pathogenic (PMID: 18524657).

Literature cited by the submitters: PubMed 18524657.

NC_000003.11:g.(?_33106935)_(33110482_?)del

Gene: GLB1 (galactosidase beta 1; minus strand). Cytogenetic location: 3p22.3.
Variant type: Deletion.
Identifiers: ClinVar variation 2423035 (VCV002423035.4).